The following is an entry in ClinVar:

NM_002608.4(PDGFB):c.571C>T (p.Arg191Ter)

Gene: PDGFB (platelet derived growth factor subunit B; minus strand). Cytogenetic location: 22q13.1.
Variant type: single nucleotide variant.
Coding change: c.571C>T on transcript NM_002608.4 (MANE Select); coding-DNA position 571, C replaced by T.
Protein change: p.Arg191Ter; replaces arginine 191 with a stop codon.
Molecular consequence: nonsense.
Genome position (GRCh38, 1-based): chr22:39,230,114, G>A on the plus strand (C>T on the coding strand, the complement: PDGFB is on the minus strand). VCF-style: chr22-39230114-G-A. GRCh37 (hg19) VCF-style: chr22-39626119-G-A.
Other names: c.526C>T, p.Arg176Ter (NM_033016.3); short protein forms R176*, R191*.
Identifiers: ClinVar variation 4977349 (VCV004977349.1).

ClinVar aggregate classification (germline): Pathogenic (1 of 4 stars; one submission).

Conditions:
PDGFB-related disorder. Also called: PDGFB-related condition.

Submission:

PreventionGenetics, part of Exact Sciences
Classification: Pathogenic for PDGFB-related condition. Last evaluated: 2025-01-22. Review status: criteria provided, single submitter. Criteria: ACMG Guidelines, 2015. Collection method: clinical testing. Allele origin: germline.
Comment: The PDGFB c.571C>T variant is predicted to result in premature protein termination (p.Arg191*). This variant was reported in two family members with primary familial brain calcification (Family B in Farahmand et al. 2024. PubMed ID: 38156729). This variant is reported in 0.00088% of alleles in individuals of European (Non-Finnish) descent in gnomAD. Nonsense variants in PDGFB are expected to be pathogenic. This variant is interpreted as pathogenic.